The following is an entry in ClinVar:

NM_032043.3(BRIP1):c.2677A>C (p.Asn893His)

Gene: BRIP1 (BRCA1 interacting DNA helicase 1; minus strand). Cytogenetic location: 17q23.2.
Variant type: single nucleotide variant.
Coding change: c.2677A>C on transcript NM_032043.3 (MANE Select); coding-DNA position 2677, A replaced by C.
Protein change: p.Asn893His; replaces asparagine 893 with histidine.
Molecular consequence: missense variant.
Genome position (GRCh38, 1-based): chr17:61,686,064, T>G on the plus strand (A>C on the coding strand, the complement: BRIP1 is on the minus strand). VCF-style: chr17-61686064-T-G. GRCh37 (hg19) VCF-style: chr17-59763425-T-G.
Other names: short protein forms N893H.
Identifiers: ClinVar variation 1359595 (VCV001359595.9), dbSNP rs2144115463, ClinGen allele CA400481797.

ClinVar aggregate classification (germline): Uncertain significance (1 of 4 stars; one submission).

Conditions:
Familial cancer of breast. Also called: BREAST CANCER, FAMILIAL; hereditary breast carcinoma; Hereditary breast cancer. Identifiers: Orphanet 227535, MedGen C0346153, MONDO:0016419, OMIM 114480. Disease mechanism: loss of function.
Fanconi anemia complementation group J. Also called: BRIP1-Related Fanconi Anemia. Identifiers: Orphanet 84, MedGen C1836860, MONDO:0012187, OMIM 609054.

Submission:

Labcorp Genetics (formerly Invitae), Labcorp
Classification: Uncertain significance for Familial cancer of breast; Fanconi anemia complementation group J. Last evaluated: 2021-06-06. Review status: criteria provided, single submitter. Criteria: Invitae Variant Classification Sherloc (09022015). Collection method: clinical testing. Allele origin: germline.
Comment: In summary, the available evidence is currently insufficient to determine the role of this variant in disease. Therefore, it has been classified as a Variant of Uncertain Significance. Algorithms developed to predict the effect of missense changes on protein structure and function (SIFT, PolyPhen-2, Align-GVGD) all suggest that this variant is likely to be tolerated, but these predictions have not been confirmed by published functional studies and their clinical significance is uncertain. This variant has not been reported in the literature in individuals with BRIP1-related conditions. This variant is not present in population databases (ExAC no frequency). This sequence change replaces asparagine with histidine at codon 893 of the BRIP1 protein (p.Asn893His). The asparagine residue is weakly conserved and there is a small physicochemical difference between asparagine and histidine.